The following is an entry in ClinVar:

ClinVar aggregate classification (germline): Uncertain significance (1 of 4 stars; one submission).

gnomAD v4.1: 7 of 1,609,888 alleles (0.00043%); highest among the groups gnomAD compares: South Asian, 0.0011%; no homozygotes.

Submission:

Labcorp Genetics (formerly Invitae), Labcorp
Classification: Uncertain significance. Last evaluated: 2024-09-27. Review status: criteria provided, single submitter. Criteria: Invitae Variant Classification Sherloc (09022015). Collection method: clinical testing. Allele origin: germline.
Comment: This sequence change replaces valine, which is neutral and non-polar, with methionine, which is neutral and non-polar, at codon 1830 of the RAI1 protein (p.Val1830Met). The frequency data for this variant in the population databases is considered unreliable, as metrics indicate poor data quality at this position in the gnomAD database. This variant has not been reported in the literature in individuals affected with RAI1-related conditions. Invitae Evidence Modeling of protein sequence and biophysical properties (such as structural, functional, and spatial information, amino acid conservation, physicochemical variation, residue mobility, and thermodynamic stability) has been performed for this missense variant. However, the output from this modeling did not meet the statistical confidence thresholds required to predict the impact of this variant on RAI1 protein function. In summary, the available evidence is currently insufficient to determine the role of this variant in disease. Therefore, it has been classified as a Variant of Uncertain Significance.

NM_030665.4(RAI1):c.5488G>A (p.Val1830Met)

Gene: RAI1 (retinoic acid induced 1; plus strand). Cytogenetic location: 17p11.2.
Variant type: single nucleotide variant.
Coding change: c.5488G>A on transcript NM_030665.4 (MANE Select); coding-DNA position 5488, G replaced by A.
Protein change: p.Val1830Met; replaces valine 1830 with methionine.
Molecular consequence: missense variant.
Genome position (GRCh38, 1-based): chr17:17,798,436, G>A. VCF-style: chr17-17798436-G-A. GRCh37 (hg19) VCF-style: chr17-17701750-G-A.
Other names: short protein forms V1830M.
Identifiers: ClinVar variation 3666677 (VCV003666677.2).